The following is an entry in ClinVar:

ClinVar aggregate classification (germline): Uncertain significance (1 of 4 stars; one submission).

Conditions:
Pitt-Hopkins-like syndrome 2 (PTHSL2). Identifiers: Orphanet 221150, Orphanet 600663, MedGen C3280479, MONDO:0013690, OMIM 614325.

Allele frequency attached by ClinVar (database versions not stated): ExAC 0.00002; gnomAD exomes 0.00002 and 0.00006; gnomAD 0.00003 and 0.00004; TOPMed 0.00003.
gnomAD v4.1: 97 of 1,613,864 alleles (0.006%); highest among the groups gnomAD compares: Non-Finnish European, 0.0079%; no homozygotes.

Submission:

Labcorp Genetics (formerly Invitae), Labcorp
Classification: Uncertain significance for Pitt-Hopkins-like syndrome 2. Last evaluated: 2025-01-19. Review status: criteria provided, single submitter. Criteria: Invitae Variant Classification Sherloc (09022015). Collection method: clinical testing. Allele origin: germline.
Comment: This sequence change replaces alanine, which is neutral and non-polar, with threonine, which is neutral and polar, at codon 706 of the NRXN1 protein (p.Ala706Thr). This variant is present in population databases (rs201731350, gnomAD 0.008%). This variant has not been reported in the literature in individuals affected with NRXN1-related conditions. ClinVar contains an entry for this variant (Variation ID: 472640). An algorithm developed to predict the effect of missense changes on protein structure and function (PolyPhen-2) suggests that this variant is likely to be tolerated. In summary, the available evidence is currently insufficient to determine the role of this variant in disease. Therefore, it has been classified as a Variant of Uncertain Significance.

NM_001330078.2(NRXN1):c.1996G>A (p.Ala666Thr)

Gene: NRXN1 (neurexin 1; minus strand). Cytogenetic location: 2p16.3.
Variant type: single nucleotide variant.
Coding change: c.1996G>A on transcript NM_001330078.2 (MANE Select); coding-DNA position 1996, G replaced by A.
Protein change: p.Ala666Thr; replaces alanine 666 with threonine.
Molecular consequence: missense variant.
Genome position (GRCh38, 1-based): chr2:50,538,400, C>T on the plus strand (G>A on the coding strand, the complement: NRXN1 is on the minus strand). VCF-style: chr2-50538400-C-T. GRCh37 (hg19) VCF-style: chr2-50765538-C-T.
Other names: c.2116G>A, p.Ala706Thr (NM_001135659.3); c.1972G>A, p.Ala658Thr (NM_001330077.2, NM_001330082.2, NM_001330095.2); c.1957G>A, p.Ala653Thr (NM_001330083.2, NM_001330084.2); c.1996G>A, p.Ala666Thr (NM_001330085.2, NM_001330086.2, NM_004801.6); c.1912G>A, p.Ala638Thr (NM_001330087.2, NM_001330096.2); c.1942G>A, p.Ala648Thr (NM_001330088.2); c.1993G>A, p.Ala665Thr (NM_001330093.2); c.1984G>A, p.Ala662Thr (NM_001330094.2); short protein forms A706T, A653T, A666T, A638T, A662T, A648T, A658T, A665T.
Identifiers: ClinVar variation 472640 (VCV000472640.8), dbSNP rs201731350, ClinGen allele CA1654944.